The following is an entry in ClinVar:

ClinVar aggregate classification (germline): Likely pathogenic (1 of 4 stars; one submission).

Submission:

GeneDx
Classification: Likely pathogenic. Last evaluated: 2024-01-31. Review status: criteria provided, single submitter. Criteria: GeneDx Variant Classification Process June 2021. Collection method: clinical testing. Allele origin: germline. Affected: yes.
Comment: In silico analysis supports that this missense variant has a deleterious effect on protein structure/function; Not observed at significant frequency in large population cohorts (gnomAD); Has not been previously published as pathogenic or benign to our knowledge

NM_003036.4(SKI):c.218T>G (p.Val73Gly)

Gene: SKI (SKI proto-oncogene; plus strand). Cytogenetic location: 1p36.33.
Variant type: single nucleotide variant.
Coding change: c.218T>G on transcript NM_003036.4 (MANE Select); coding-DNA position 218, T replaced by G.
Protein change: p.Val73Gly; replaces valine 73 with glycine.
Molecular consequence: missense variant.
Genome position (GRCh38, 1-based): chr1:2,228,984, T>G. VCF-style: chr1-2228984-T-G. GRCh37 (hg19) VCF-style: chr1-2160423-T-G.
Other names: short protein forms V73G.
Identifiers: ClinVar variation 3340191 (VCV003340191.1).